The following is an entry in ClinVar:

ClinVar aggregate classification (germline): Conflicting classifications of pathogenicity. Review status: criteria provided, conflicting classifications (1 of 4 stars). 3 submissions from 3 submitters: Uncertain significance (2); Likely benign (1). Last evaluated 2026-01-19.

Conditions:
Inborn genetic diseases. Identifiers: MedGen C0950123, MeSH D030342.
Familial infantile myasthenia (CMS6). Also called: MYASTHENIC SYNDROME, PRESYNAPTIC, CONGENITAL, ASSOCIATED WITH EPISODIC APNEA; Congenital myasthenic syndrome type 6; MYASTHENIC SYNDROME, CONGENITAL, 6, PRESYNAPTIC. Identifiers: Orphanet 590, MedGen C0393929, MONDO:0009689, OMIM 254210.

Allele frequency attached by ClinVar (database versions not stated): gnomAD exomes 0.00002 and 0.00005; ExAC 0.00010; gnomAD 0.00014 and 0.00015; TOPMed 0.00015; 1000 Genomes Project 30x 0.00016; 1000 Genomes Project 0.00020; ESP Exome Variant Server 0.00054.
gnomAD v4.1: 49 of 1,613,924 alleles (0.003%); highest among the groups gnomAD compares: African/African-American, 0.056%; no homozygotes.

Submissions (3):

Labcorp Genetics (formerly Invitae), Labcorp
Classification: Likely benign for Familial infantile myasthenia. Last evaluated: 2026-01-19. Review status: criteria provided, single submitter. Criteria: Invitae Variant Classification Sherloc (09022015). Collection method: clinical testing. Allele origin: germline.

Ambry Genetics
Classification: Uncertain significance for Inborn genetic diseases. Last evaluated: 2025-10-02. Review status: criteria provided, single submitter. Criteria: Ambry Variant Classification Scheme 2023. Collection method: clinical testing. Allele origin: germline.

GeneDx
Classification: Uncertain significance. Last evaluated: 2023-12-01. Review status: criteria provided, single submitter. Criteria: GeneDx Variant Classification Process June 2021. Collection method: clinical testing. Allele origin: germline. Affected: yes.
Comment: In silico analysis supports that this missense variant has a deleterious effect on protein structure/function; Has not been previously published as pathogenic or benign to our knowledge; This variant is associated with the following publications: (PMID: 26080897)

NM_020549.5(CHAT):c.494T>C (p.Ile165Thr)

Gene: CHAT (choline O-acetyltransferase; plus strand). Cytogenetic location: 10q11.23.
Variant type: single nucleotide variant.
Coding change: c.494T>C on transcript NM_020549.5 (MANE Select); coding-DNA position 494, T replaced by C.
Protein change: p.Ile165Thr; replaces isoleucine 165 with threonine.
Molecular consequence: missense variant.
Genome position (GRCh38, 1-based): chr10:49,619,831, T>C. VCF-style: chr10-49619831-T-C. GRCh37 (hg19) VCF-style: chr10-50827877-T-C.
Other names: c.494T>C (NM_020549.4); c.140T>C, p.Ile47Thr (NM_001142929.2, NM_001142934.2, NM_020984.4 and 2 more transcripts); c.248T>C, p.Ile83Thr (NM_001142933.2); short protein forms I165T, I47T, I83T.
Identifiers: ClinVar variation 1099987 (VCV001099987.12), dbSNP rs148155075, ClinGen allele CA5497154.